The following is an entry in ClinVar:

NM_001975.3(ENO2):c.426C>T (p.Asp142=)

Gene: ENO2 (enolase 2; plus strand). Cytogenetic location: 12p13.31.
Variant type: single nucleotide variant.
Coding change: c.426C>T on transcript NM_001975.3 (MANE Select); coding-DNA position 426, C replaced by T.
Protein change: p.Asp142=; no amino-acid change (aspartic acid 142 retained).
Molecular consequence: synonymous variant.
Genome position (GRCh38, 1-based): chr12:6,917,696, C>T. VCF-style: chr12-6917696-C-T. GRCh37 (hg19) VCF-style: chr12-7026860-C-T.
Identifiers: ClinVar variation 3043972 (VCV003043972.2), dbSNP rs782318226, ClinGen allele CA6419991.
Genomic context (GRCh38, chr12:6,917,696, plus strand): 5'-GGCAGCTGAGCGGGAACTGCCCCTGTATCGCCACATTGCTCAGCTGGCCGGGAACTCAGA[C>T]CTCATCCTGCCTGTGCCGGTGAGCAATAAGCCAGCCTGCGGCTCTCCCAGGGGCGGGTGG-3'
Protein context (NP_001966.1, residues 132-152): RHIAQLAGNS[Asp142=]LILPVPAFNV

ClinVar aggregate classification (germline): Likely benign (0 of 4 stars; one submission).

Conditions:
ENO2-related disorder. Also called: ENO2-related condition.

Allele frequency attached by ClinVar (database versions not stated): TOPMed below 0.00001; gnomAD 0.00005; gnomAD exomes 0.00012; ExAC 0.00023; 1000 Genomes Project 30x 0.00047; 1000 Genomes Project 0.00060.
gnomAD v4.1: 184 of 1,609,562 alleles (0.011%); highest among the groups gnomAD compares: South Asian, 0.19%; 2 homozygotes.

Submission:

PreventionGenetics, part of Exact Sciences
Classification: Likely benign for ENO2-related condition. Last evaluated: 2019-06-06. Review status: no assertion criteria provided. Collection method: clinical testing. Allele origin: germline.
Comment: This variant is classified as likely benign based on ACMG/AMP sequence variant interpretation guidelines (Richards et al. 2015 PMID: 25741868, with internal and published modifications).